The following is an entry in ClinVar:

ClinVar aggregate classification (germline): Uncertain significance (1 of 4 stars; one submission).

Conditions:
Autosomal recessive axonal neuropathy with neuromyotonia (NMAN). Also called: MYOKYMIA, MYOTONIA, AND MUSCLE WASTING; Gamstorp-Wohlfart syndrome; Neuromyotonia and axonal neuropathy, autosomal recessive. Identifiers: Orphanet 324442, MedGen C5700127, MONDO:0007646, OMIM 137200.

Allele frequency attached by ClinVar (database versions not stated): gnomAD 0.00001; TOPMed 0.00002; ESP Exome Variant Server 0.00008.
gnomAD v4.1: 28 of 1,613,274 alleles (0.0017%); highest among the groups gnomAD compares: Admixed American, 0.005%; no homozygotes.

Submission:

Labcorp Genetics (formerly Invitae), Labcorp
Classification: Uncertain significance for Autosomal recessive axonal neuropathy with neuromyotonia. Last evaluated: 2023-12-06. Review status: criteria provided, single submitter. Criteria: Invitae Variant Classification Sherloc (09022015). Collection method: clinical testing. Allele origin: germline.
Comment: This sequence change replaces valine, which is neutral and non-polar, with isoleucine, which is neutral and non-polar, at codon 111 of the HINT1 protein (p.Val111Ile). This variant is present in population databases (rs147406252, gnomAD 0.006%). This variant has not been reported in the literature in individuals affected with HINT1-related conditions. ClinVar contains an entry for this variant (Variation ID: 968425). Algorithms developed to predict the effect of missense changes on protein structure and function output the following: SIFT: "Not Available"; PolyPhen-2: "Benign"; Align-GVGD: "Not Available". The isoleucine amino acid residue is found in multiple mammalian species, which suggests that this missense change does not adversely affect protein function. In summary, the available evidence is currently insufficient to determine the role of this variant in disease. Therefore, it has been classified as a Variant of Uncertain Significance.

NM_005340.7(HINT1):c.331G>A (p.Val111Ile)

Gene: HINT1 (histidine triad nucleotide binding protein 1; minus strand). Cytogenetic location: 5q23.3.
Variant type: single nucleotide variant.
Coding change: c.331G>A on transcript NM_005340.7 (MANE Select); coding-DNA position 331, G replaced by A.
Protein change: p.Val111Ile; replaces valine 111 with isoleucine.
Molecular consequence: missense variant. On other transcripts: non-coding transcript variant (5).
Genome position (GRCh38, 1-based): chr5:131,159,497, C>T on the plus strand (G>A on the coding strand, the complement: HINT1 is on the minus strand). VCF-style: chr5-131159497-C-T. GRCh37 (hg19) VCF-style: chr5-130495190-C-T.
Other names: short protein forms V111I.
Identifiers: ClinVar variation 968425 (VCV000968425.10), dbSNP rs147406252, ClinGen allele CA3398554.